The following is an entry in ClinVar:

ClinVar aggregate classification (germline): Uncertain significance (1 of 4 stars; one submission).

Conditions:
Deficiency of alpha-mannosidase (MANSA). Also called: Mannosidosis, alpha-, types I and II; LYSOSOMAL ALPHA-D-MANNOSIDASE DEFICIENCY; Alpha-Mannosidosis. Identifiers: Orphanet 61, MedGen C0024748, MONDO:0009561, OMIM 248500.

Allele frequency attached by ClinVar (database versions not stated): gnomAD exomes below 0.00001; TOPMed below 0.00001; gnomAD 0.00001.
gnomAD v4.1: 5 of 1,565,868 alleles (0.00032%); highest among the groups gnomAD compares: African/African-American, 0.0027%; no homozygotes.

Submission:

Labcorp Genetics (formerly Invitae), Labcorp
Classification: Uncertain significance for Deficiency of alpha-mannosidase. Last evaluated: 2022-10-17. Review status: criteria provided, single submitter. Criteria: Invitae Variant Classification Sherloc (09022015). Collection method: clinical testing. Allele origin: germline.
Comment: This sequence change replaces glycine, which is neutral and non-polar, with serine, which is neutral and polar, at codon 876 of the MAN2B1 protein (p.Gly876Ser). This variant is not present in population databases (gnomAD no frequency). This variant has not been reported in the literature in individuals affected with MAN2B1-related conditions. Advanced modeling of protein sequence and biophysical properties (such as structural, functional, and spatial information, amino acid conservation, physicochemical variation, residue mobility, and thermodynamic stability) performed at Invitae indicates that this missense variant is not expected to disrupt MAN2B1 protein function. In summary, the available evidence is currently insufficient to determine the role of this variant in disease. Therefore, it has been classified as a Variant of Uncertain Significance.

NM_000528.4(MAN2B1):c.2626G>A (p.Gly876Ser)

Gene: MAN2B1 (mannosidase alpha class 2B member 1; minus strand). Cytogenetic location: 19p13.13.
Variant type: single nucleotide variant.
Coding change: c.2626G>A on transcript NM_000528.4 (MANE Select); coding-DNA position 2626, G replaced by A.
Protein change: p.Gly876Ser; replaces glycine 876 with serine.
Molecular consequence: missense variant.
Genome position (GRCh38, 1-based): chr19:12,648,213, C>T on the plus strand (G>A on the coding strand, the complement: MAN2B1 is on the minus strand). VCF-style: chr19-12648213-C-T. GRCh37 (hg19) VCF-style: chr19-12759027-C-T.
Other names: c.2623G>A, p.Gly875Ser (NM_001173498.2); short protein forms G875S, G876S.
Identifiers: ClinVar variation 2162503 (VCV002162503.1), dbSNP rs979496069, ClinGen allele CA305460999.